The following is an entry in ClinVar:

ClinVar aggregate classification (germline): Uncertain significance (1 of 4 stars; one submission).

Conditions:
Cardiovascular phenotype. Identifiers: MedGen CN230736.

Submission:

Ambry Genetics
Classification: Uncertain significance for Cardiovascular phenotype. Last evaluated: 2025-03-23. Review status: criteria provided, single submitter. Criteria: Ambry Variant Classification Scheme 2023. Collection method: clinical testing. Allele origin: germline.
Comment: The p.P646S variant (also known as c.1936C>T), located in coding exon 13 of the DSG2 gene, results from a C to T substitution at nucleotide position 1936. The proline at codon 646 is replaced by serine, an amino acid with similar properties. This amino acid position is conserved. In addition, this alteration is predicted to be tolerated by in silico analysis. Based on the available evidence, the clinical significance of this variant remains unclear.

NM_001943.5(DSG2):c.1936C>T (p.Pro646Ser)

Gene: DSG2 (desmoglein 2; plus strand). Cytogenetic location: 18q12.1.
Variant type: single nucleotide variant.
Coding change: c.1936C>T on transcript NM_001943.5 (MANE Select); coding-DNA position 1936, C replaced by T.
Protein change: p.Pro646Ser; replaces proline 646 with serine.
Molecular consequence: missense variant.
Genome position (GRCh38, 1-based): chr18:31,541,249, C>T. VCF-style: chr18-31541249-C-T. GRCh37 (hg19) VCF-style: chr18-29121212-C-T.
Other names: short protein forms P646S.
Identifiers: ClinVar variation 4015019 (VCV004015019.1).